The following is an entry in ClinVar:

NM_002473.6(MYH9):c.3630+4C>G

Gene: MYH9 (myosin heavy chain 9; minus strand). Cytogenetic location: 22q12.3.
Variant type: single nucleotide variant.
Coding change: c.3630+4C>G on transcript NM_002473.6 (MANE Select); 4 bases into the intron after coding-DNA position 3630, C replaced by G.
Molecular consequence: intron variant.
Genome position (GRCh38, 1-based): chr22:36,294,928, G>C on the plus strand (C>G on the coding strand, the complement: MYH9 is on the minus strand). VCF-style: chr22-36294928-G-C. GRCh37 (hg19) VCF-style: chr22-36690974-G-C.
Identifiers: ClinVar variation 3670206 (VCV003670206.2).

ClinVar aggregate classification (germline): Uncertain significance (1 of 4 stars; one submission).

gnomAD v4.1: 1 of 1,612,304 alleles (0.000062%); no homozygotes.

Submission:

Labcorp Genetics (formerly Invitae), Labcorp
Classification: Uncertain significance. Last evaluated: 2024-10-20. Review status: criteria provided, single submitter. Criteria: Invitae Variant Classification Sherloc (09022015). Collection method: clinical testing. Allele origin: germline.
Comment: This sequence change falls in intron 27 of the MYH9 gene. It does not directly change the encoded amino acid sequence of the MYH9 protein. It affects a nucleotide within the consensus splice site. This variant is present in population databases (rs757310410, gnomAD 0.01%). This variant has not been reported in the literature in individuals affected with MYH9-related conditions. Variants that disrupt the consensus splice site are a relatively common cause of aberrant splicing (PMID: 17576681, 9536098). Algorithms developed to predict the effect of sequence changes on RNA splicing suggest that this variant is not likely to affect RNA splicing. In summary, the available evidence is currently insufficient to determine the role of this variant in disease. Therefore, it has been classified as a Variant of Uncertain Significance.

Literature cited by the submitters: PubMed 17576681; PubMed 9536098.